The following is an entry in ClinVar:

ClinVar aggregate classification (germline): Uncertain significance. Review status: criteria provided, multiple submitters, no conflicts (2 of 4 stars). 3 submissions from 3 submitters: Uncertain significance (2). 1 of the submissions does not count toward it. Last evaluated 2025-09-10.

Conditions:
PCLO-related disorder. Also called: PCLO-related condition.
Inborn genetic diseases. Identifiers: MedGen C0950123, MeSH D030342.

Allele frequency attached by ClinVar (database versions not stated): gnomAD exomes 0.00001 and 0.00002; gnomAD 0.00002 and 0.00003; TOPMed 0.00002; ExAC 0.00003.
gnomAD v4.1: 37 of 1,592,858 alleles (0.0023%); highest among the groups gnomAD compares: South Asian, 0.0056%; no homozygotes.

Submissions (3):

Ambry Genetics
Classification: Uncertain significance for Inborn genetic diseases. Last evaluated: 2025-09-10. Review status: criteria provided, single submitter. Criteria: Ambry Variant Classification Scheme 2023. Collection method: clinical testing. Allele origin: germline.

Labcorp Genetics (formerly Invitae), Labcorp
Classification: Uncertain significance. Last evaluated: 2024-02-17. Review status: criteria provided, single submitter. Criteria: Invitae Variant Classification Sherloc (09022015). Collection method: clinical testing. Allele origin: germline.
Comment: This sequence change replaces alanine, which is neutral and non-polar, with valine, which is neutral and non-polar, at codon 4279 of the PCLO protein (p.Ala4279Val). This variant is present in population databases (rs753027344, gnomAD 0.007%). This variant has not been reported in the literature in individuals affected with PCLO-related conditions. ClinVar contains an entry for this variant (Variation ID: 1490865). Experimental studies and prediction algorithms are not available or were not evaluated, and the functional significance of this variant is currently unknown. In summary, the available evidence is currently insufficient to determine the role of this variant in disease. Therefore, it has been classified as a Variant of Uncertain Significance.

PreventionGenetics, part of Exact Sciences
Classification: Uncertain significance for PCLO-related condition. Last evaluated: 2024-05-07. Review status: no assertion criteria provided. Collection method: clinical testing. Allele origin: germline. Not counted in ClinVar's aggregate classification.
Comment: The PCLO c.12836C>T variant is predicted to result in the amino acid substitution p.Ala4279Val. To our knowledge, this variant has not been reported in the literature. This variant is reported in 0.0072% of alleles in individuals of South Asian descent in gnomAD. At this time, the clinical significance of this variant is uncertain due to the absence of conclusive functional and genetic evidence.

NM_033026.6(PCLO):c.12836C>T (p.Ala4279Val)

Gene: PCLO (piccolo presynaptic cytomatrix protein; minus strand). Cytogenetic location: 7q21.11.
Variant type: single nucleotide variant.
Coding change: c.12836C>T on transcript NM_033026.6 (MANE Select); coding-DNA position 12836, C replaced by T.
Protein change: p.Ala4279Val; replaces alanine 4279 with valine.
Molecular consequence: missense variant.
Genome position (GRCh38, 1-based): chr7:82,915,150, G>A on the plus strand (C>T on the coding strand, the complement: PCLO is on the minus strand). VCF-style: chr7-82915150-G-A. GRCh37 (hg19) VCF-style: chr7-82544466-G-A.
Other names: c.12836C>T, p.Ala4279Val (NM_014510.3); c.12836C>T (NM_033026.5); short protein forms A4279V.
Identifiers: ClinVar variation 1490865 (VCV001490865.9), dbSNP rs753027344, ClinGen allele CA4319298.
Genomic context (GRCh38, chr7:82,915,150, plus strand): 5'-TAGACAGAGGAAGGTCTGGAGGAAGGTCTGGACCTGCTGCCACTACTGTATGGCTTATCC[G>A]CTTCATCCTGCAGAGCTGAGCGTATGGTATTTCCTAATGTGCCCAGTCCTGTGCCAAGAG-3'
Protein context (NP_149015.2, residues 4269-4289): NTIRSALQDE[Ala4279Val]DKPYSSGSRS